The following is an entry in ClinVar:

ClinVar aggregate classification (germline): Benign. Review status: criteria provided, multiple submitters, no conflicts (2 of 4 stars). 3 submissions from 3 submitters: Benign (2). 1 of the submissions does not count toward it. Last evaluated 2026-02-03.

Conditions:
NFATC1-related disorder. Also called: NFATC1-related condition.

Allele frequency attached by ClinVar (database versions not stated): 1000 Genomes Project 30x 0.40912; TOPMed 0.41192; gnomAD exomes 0.31856 and 0.32454; 1000 Genomes Project 0.40495; ExAC 0.33309; gnomAD 0.39749 and 0.40597; ESP Exome Variant Server 0.41911.
gnomAD v4.1: 523,135 of 1,602,740 alleles (33%); highest among the groups gnomAD compares: African/African-American, 61%; 89,656 homozygotes.

Submissions (3):

Labcorp Genetics (formerly Invitae), Labcorp
Classification: Benign. Last evaluated: 2026-02-03. Review status: criteria provided, single submitter. Criteria: Invitae Variant Classification Sherloc (09022015). Collection method: clinical testing. Allele origin: germline.

Breakthrough Genomics
Classification: Benign. Review status: criteria provided, single submitter. Criteria: ACMG Guidelines, 2015. Collection method: not provided. Allele origin: germline. Inheritance: Unknown mechanism. Affected: yes.

PreventionGenetics, part of Exact Sciences
Classification: Benign for NFATC1-related condition. Last evaluated: 2019-10-22. Review status: no assertion criteria provided. Collection method: clinical testing. Allele origin: germline. Not counted in ClinVar's aggregate classification.
Comment: This variant is classified as benign based on ACMG/AMP sequence variant interpretation guidelines (Richards et al. 2015 PMID: 25741868, with internal and published modifications).

NM_001278669.2(NFATC1):c.1986A>G (p.Pro662=)

Gene: NFATC1 (nuclear factor of activated T cells 1; plus strand). Cytogenetic location: 18q23.
Variant type: single nucleotide variant.
Coding change: c.1986A>G on transcript NM_001278669.2 (MANE Select); coding-DNA position 1986, A replaced by G.
Protein change: p.Pro662=; no amino-acid change (proline 662 retained).
Molecular consequence: synonymous variant.
Genome position (GRCh38, 1-based): chr18:79,467,476, A>G. VCF-style: chr18-79467476-A-G. GRCh37 (hg19) VCF-style: chr18-77227476-A-G.
Other names: c.1986A>G (NM_001278669.1); c.1986A>G, p.Pro662= (NM_001278670.2, NM_006162.5, NM_172390.3); c.1947A>G, p.Pro649= (NM_001278672.2, NM_001278675.2, NM_172387.3 and 1 more transcripts); c.570A>G, p.Pro190= (NM_001278673.2, NM_172388.3).
Identifiers: ClinVar variation 1668933 (VCV001668933.11), dbSNP rs25656, ClinGen allele CA9009455.